The following is an entry in ClinVar:

NM_000070.3(CAPN3):c.136A>G (p.Ile46Val)

Gene: CAPN3 (calpain 3; plus strand). Cytogenetic location: 15q15.1.
Variant type: single nucleotide variant.
Coding change: c.136A>G on transcript NM_000070.3 (MANE Select); coding-DNA position 136, A replaced by G.
Protein change: p.Ile46Val; replaces isoleucine 46 with valine.
Molecular consequence: missense variant.
Genome position (GRCh38, 1-based): chr15:42,359,941, A>G. VCF-style: chr15-42359941-A-G. GRCh37 (hg19) VCF-style: chr15-42652139-A-G.
Other names: c.136A>G, p.Ile46Val (NM_024344.2, NM_173087.2); short protein forms I46V.
Identifiers: ClinVar variation 3705376 (VCV003705376.2).

ClinVar aggregate classification (germline): Uncertain significance (1 of 4 stars; one submission).

Conditions:
Autosomal recessive limb-girdle muscular dystrophy type 2A (LGMDR1). Also called: Calpainopathy; Muscular dystrophy, limb-girdle, type 2A, Amish; LEYDEN-MOEBIUS MUSCULAR DYSTROPHY; MUSCULAR DYSTROPHY, PELVOFEMORAL; Limb-girdle muscular dystrophy, type 2A. Identifiers: Orphanet 267, MedGen C1869123, MONDO:0009675, OMIM 253600. Disease mechanism: loss of function.

gnomAD v4.1: 2 of 1,614,248 alleles (0.00012%); highest among the groups gnomAD compares: Non-Finnish European, 0.00017%; no homozygotes.

Submission:

Labcorp Genetics (formerly Invitae), Labcorp
Classification: Uncertain significance for Autosomal recessive limb-girdle muscular dystrophy type 2A. Last evaluated: 2024-09-20. Review status: criteria provided, single submitter. Criteria: Invitae Variant Classification Sherloc (09022015). Collection method: clinical testing. Allele origin: germline.
Comment: This sequence change replaces isoleucine, which is neutral and non-polar, with valine, which is neutral and non-polar, at codon 46 of the CAPN3 protein (p.Ile46Val). This variant is not present in population databases (gnomAD no frequency). This variant has not been reported in the literature in individuals affected with CAPN3-related conditions. Invitae Evidence Modeling of protein sequence and biophysical properties (such as structural, functional, and spatial information, amino acid conservation, physicochemical variation, residue mobility, and thermodynamic stability) indicates that this missense variant is expected to disrupt CAPN3 protein function with a positive predictive value of 95%. In summary, the available evidence is currently insufficient to determine the role of this variant in disease. Therefore, it has been classified as a Variant of Uncertain Significance.